The following is an entry in ClinVar:

NM_003036.4(SKI):c.1321C>G (p.Arg441Gly)

Gene: SKI (SKI proto-oncogene; plus strand). Cytogenetic location: 1p36.32.
Variant type: single nucleotide variant.
Coding change: c.1321C>G on transcript NM_003036.4 (MANE Select); coding-DNA position 1321, C replaced by G.
Protein change: p.Arg441Gly; replaces arginine 441 with glycine.
Molecular consequence: missense variant.
Genome position (GRCh38, 1-based): chr1:2,303,949, C>G. VCF-style: chr1-2303949-C-G. GRCh37 (hg19) VCF-style: chr1-2235388-C-G.
Other names: short protein forms R441G.
Identifiers: ClinVar variation 4538337 (VCV004538337.1).

ClinVar aggregate classification (germline): Uncertain significance (1 of 4 stars; one submission).

Submission:

Greenwood Genetic Center Diagnostic Laboratories, Greenwood Genetic Center
Classification: Uncertain significance. Last evaluated: 2025-06-25. Review status: criteria provided, single submitter. Criteria: ACMG Guidelines, 2015. Collection method: clinical testing. Allele origin: germline. Affected: yes.
Comment: PM2